The following is an entry in ClinVar:

NM_001039.4(SCNN1G):c.1944G>C (p.Glu648Asp)

Gene: SCNN1G (sodium channel epithelial 1 subunit gamma; plus strand). Cytogenetic location: 16p12.2.
Variant type: single nucleotide variant.
Coding change: c.1944G>C on transcript NM_001039.4 (MANE Select); coding-DNA position 1944, G replaced by C.
Protein change: p.Glu648Asp; replaces glutamic acid 648 with aspartic acid.
Molecular consequence: missense variant.
Genome position (GRCh38, 1-based): chr16:23,215,463, G>C. VCF-style: chr16-23215463-G-C. GRCh37 (hg19) VCF-style: chr16-23226784-G-C.
Other names: short protein forms E648D.
Identifiers: ClinVar variation 2769947 (VCV002769947.3), dbSNP rs1356324449, ClinGen allele CA395104227.

ClinVar aggregate classification (germline): Uncertain significance (1 of 4 stars; one submission).

Submission:

Labcorp Genetics (formerly Invitae), Labcorp
Classification: Uncertain significance. Last evaluated: 2023-10-18. Review status: criteria provided, single submitter. Criteria: Invitae Variant Classification Sherloc (09022015). Collection method: clinical testing. Allele origin: germline.
Comment: This sequence change replaces glutamic acid, which is acidic and polar, with aspartic acid, which is acidic and polar, at codon 648 of the SCNN1G protein (p.Glu648Asp). This variant is not present in population databases (gnomAD no frequency). This variant has not been reported in the literature in individuals affected with SCNN1G-related conditions. An algorithm developed to predict the effect of missense changes on protein structure and function (PolyPhen-2) suggests that this variant is likely to be tolerated. In summary, the available evidence is currently insufficient to determine the role of this variant in disease. Therefore, it has been classified as a Variant of Uncertain Significance.